The following is an entry in ClinVar:

ClinVar aggregate classification (germline): Uncertain significance (1 of 4 stars; one submission).

Submission:

Dasa
Classification: Uncertain significance. Last evaluated: 2025-06-17. Review status: criteria provided, single submitter. Criteria: DASA Assertion Criteria. Collection method: clinical testing. Allele origin: germline.
Comment: NM_001267550.2(TTN):c.37794G>T (p.Val12598=) is a synonymous variant predicted not to alter the encoded amino acid sequence. This variant is absent from population databases. The currently available literature and clinical evidence are not sufficient to establish a definitive association between this variant and the reported condition. Therefore, this variant is classified as a variant of uncertain significance.

NM_001267550.2(TTN):c.37794G>T (p.Val12598=)

Gene: TTN (titin; minus strand). Cytogenetic location: 2q31.2.
Variant type: single nucleotide variant.
Coding change: c.37794G>T on transcript NM_001267550.2 (MANE Select); coding-DNA position 37794, G replaced by T.
Protein change: p.Val12598=; no amino-acid change (valine 12598 retained).
Molecular consequence: synonymous variant. On other transcripts: intron variant (5).
Genome position (GRCh38, 1-based): chr2:178,657,960, C>A on the plus strand (G>T on the coding strand, the complement: TTN is on the minus strand). VCF-style: chr2-178657960-C-A. GRCh37 (hg19) VCF-style: chr2-179522687-C-A.
Other names: c.13283-15643G>T (NM_003319.4); c.13859-15643G>T (NM_133437.4); c.13658-15643G>T (NM_133432.3); c.31741+1045G>T (NM_133378.4); c.34522+1045G>T (NM_001256850.1).
Identifiers: ClinVar variation 4885303 (VCV004885303.2).